The following is an entry in ClinVar:

ClinVar aggregate classification (germline): Conflicting classifications of pathogenicity. Review status: criteria provided, conflicting classifications (1 of 4 stars). 9 submissions from 9 submitters: Likely pathogenic (3); Uncertain significance (5); Likely benign (1). Last evaluated 2026-01-07.

Conditions:
VHL-related disorder. Also called: VHL-related condition.
Von Hippel-Lindau syndrome (VHLS). Also called: von Hippel–Lindau syndrome; VHL syndrome; Von Hippel-Lindau. Identifiers: Orphanet 892, MedGen C0019562, MONDO:0008667, OMIM 193300. Disease mechanism: loss of function.
Chuvash polycythemia. Also called: POLYCYTHEMIA, VHL-DEPENDENT. Identifiers: Orphanet 238557, MedGen C1837915, MONDO:0009892, OMIM 263400.
Hereditary cancer-predisposing syndrome. Also called: Tumor predisposition; Hereditary neoplastic syndrome; Hereditary Cancer Syndrome; Neoplastic Syndromes, Hereditary. Identifiers: Orphanet 140162, MedGen C0027672, MeSH D009386, MONDO:0015356.
Nonpapillary renal cell carcinoma. Identifiers: Orphanet 422526, MedGen CN074294, MONDO:0007763, OMIM 144700.
Pheochromocytoma. Also called: MAX-Related Hereditary Paraganglioma-Pheochromocytoma Syndrome. Identifiers: Orphanet 29072, MedGen C0031511, MONDO:0008233, OMIM 171300, HP:0002666.

Allele frequency attached by ClinVar (database versions not stated): ExAC 0.00001; gnomAD 0.00001; gnomAD exomes 0.00001; TOPMed 0.00001.
gnomAD v4.1: 23 of 1,613,832 alleles (0.0014%); highest among the groups gnomAD compares: African/African-American, 0.004%; no homozygotes.

Submissions (9):

PreventionGenetics, part of Exact Sciences
Classification: Uncertain significance for VHL-related condition. Last evaluated: 2026-01-07. Review status: criteria provided, single submitter. Criteria: ACMG Guidelines, 2015. Collection method: clinical testing. Allele origin: germline.
Comment: The VHL c.429C>T variant is not predicted to result in an amino acid change (p.=). This variant has been reported in the homozygous and compound heterozygous state in three unrelated individuals with erythrocytosis (Lenglet et al. 2018. PubMed ID: 29891534) and in an individual with endometrial cancer (Table S1, Gordhandas et al. 2023. PubMed ID: 36744932). RT-PCR studies using patient-derived lymphoblastoid cell lines indicated that the c.429C>T variant led to an aberrant mRNA transcript that altered splicing through exon 2 skipping (Lenglet et al. 2018. PubMed ID: 29891534). This variant is reported in 0.0054% of alleles in individuals of East Asian descent in gnomAD and has conflicting interpretations regarding its pathogenicity in ClinVar, ranging from likely benign to likely pathogenic (Variation ID: 416990). Although we suspect that this variant may be pathogenic, at this time, the clinical significance of this variant is uncertain due to the absence of conclusive functional and genetic evidence.

Ambry Genetics
Classification: Uncertain significance for Hereditary cancer-predisposing syndrome. Last evaluated: 2025-07-24. Review status: criteria provided, single submitter. Criteria: Ambry Variant Classification Scheme 2023. Collection method: clinical testing. Allele origin: germline.
Comment: The c.429C>T variant (also known as p.D143D), located in coding exon 2 of the VHL gene, results from a C to T substitution at nucleotide position 429. This nucleotide substitution does not change the amino acid at codon 143. This variant has been identified in the homozygous state and in trans with a VHL variant in individuals diagnosed with erythrocytosis (Lenglet M et al. Blood, 2018 Aug;132:469-483). This nucleotide position is poorly conserved in available vertebrate species. In silico splice site analysis predicts that this alteration will not have any significant effect on splicing; however, RNA studies have detected abnormal splicing associated with this variant (Lenglet M et al. Blood, 2018 Aug;132:469-483, Ambry internal data). Based on the available evidence, the clinical significance of this variant remains unclear.

Labcorp Genetics (formerly Invitae), Labcorp
Classification: Likely pathogenic for Von Hippel-Lindau syndrome; Chuvash polycythemia. Last evaluated: 2025-07-17. Review status: criteria provided, single submitter. Criteria: Invitae Variant Classification Sherloc (09022015). Collection method: clinical testing. Allele origin: germline.
Comment: This sequence change affects codon 143 of the VHL mRNA. It is a 'silent' change, meaning that it does not change the encoded amino acid sequence of the VHL protein. This variant is present in population databases (rs773556807, gnomAD 0.006%). This variant has been observed in individuals with autosomal recessive erythrocytosis and/or endometrial cancer (PMID: 29891534, 36744932). This variant is also known as D143D. ClinVar contains an entry for this variant (Variation ID: 416990). Studies have shown that this variant alters VHL gene expression (PMID: 29891534; internal data). Algorithms developed to predict the effect of sequence changes on RNA splicing suggest that this variant is not likely to affect RNA splicing. In summary, the currently available evidence indicates that the variant is pathogenic, but additional data are needed to prove that conclusively. Therefore, this variant has been classified as Likely Pathogenic.

Color Diagnostics, LLC DBA Color Health
Classification: Uncertain significance for Von Hippel-Lindau syndrome. Last evaluated: 2025-06-23. Review status: criteria provided, single submitter. Criteria: ACMG Guidelines, 2015. Collection method: clinical testing. Allele origin: germline.
Comment: This variant causes a C>T nucleotide change in exon 2 of the VHL gene. An RNA study has reported that this variant results in the incomplete out-of-frame skipping of exon 2 and a corresponding reduction in VHL gene expression in RNA from two homozygous carriers and a compound heterozygous carrier with an intron 2 variant (PMID: 29891534). To our knowledge, this variant has not been reported in individuals affected with VHL-associated hereditary cancer in the literature. This variant has been identified in 2/251492 chromosomes in the general population by the Genome Aggregation Database (gnomAD). The available evidence is insufficient to determine the role of this variant in disease conclusively. Therefore, this variant is classified as a Variant of Uncertain Significance.

CeGaT Center for Human Genetics Tuebingen
Classification: Likely pathogenic. Last evaluated: 2025-05-01. Review status: criteria provided, single submitter. Criteria: CeGaT Center For Human Genetics Tuebingen Variant Classification Criteria Version 2. Collection method: clinical testing. Allele origin: germline. Affected: yes. Observed: 2 variant alleles.
Comment: VHL: PM3:Strong, PM2, PP4, BP4

Blueprint Genetics
Classification: Likely pathogenic for VHL-related disorders. Last evaluated: 2024-10-30. Review status: criteria provided, single submitter. Criteria: ACMG Guidelines, 2015. Collection method: clinical testing. Allele origin: germline. Affected: yes. Observed: 4 variant alleles.

Fulgent Genetics
Classification: Uncertain significance for Nonpapillary renal cell carcinoma; Pheochromocytoma; Von Hippel-Lindau syndrome; Chuvash polycythemia. Last evaluated: 2024-03-19. Review status: criteria provided, single submitter. Criteria: ACMG Guidelines, 2015. Collection method: clinical testing. Allele origin: germline.

All of Us Research Program, National Institutes of Health
Classification: Uncertain significance for Von Hippel-Lindau syndrome. Last evaluated: 2023-06-26. Review status: criteria provided, single submitter. Criteria: ACMG Guidelines, 2015. Collection method: clinical testing. Allele origin: germline. Inheritance: Autosomal dominant inheritance. Observed: 2 variant alleles, 2 heterozygotes.
Comment: This variant causes a C>T nucleotide change in exon 2 of the VHL gene. An RNA study has reported that this variant results in the incomplete out-of-frame skipping of exon 2 and a corresponding reduction in VHL gene expression in RNA from two homozygous carriers and a compound heterozygous carrier with an intron 2 variant (PMID: 29891534). To our knowledge, this variant has not been reported in individuals affected with VHL-associated hereditary cancer in the literature. This variant has been identified in 2/251492 chromosomes in the general population by the Genome Aggregation Database (gnomAD). The available evidence is insufficient to determine the role of this variant in disease conclusively. Therefore, this variant is classified as a Variant of Uncertain Significance.

This study involves interpretation of variants in research participants for the purpose of population health screening. Participant phenotype was not available at the time of variant classification. Additional details can be found in publication PMID: 35346344, PMCID: PMC8962531

GeneDx
Classification: Likely benign. Last evaluated: 2018-01-05. Review status: criteria provided, single submitter. Criteria: GeneDx Variant Classification (06012015). Collection method: clinical testing. Allele origin: germline. Affected: yes.
Comment: This variant is considered likely benign or benign based on one or more of the following criteria: it is a conservative change, it occurs at a poorly conserved position in the protein, it is predicted to be benign by multiple in silico algorithms, and/or has population frequency not consistent with disease.

Literature cited by the submitters: PubMed 29891534 (cited by 4 submitters); PubMed 36744932 (cited by Labcorp Genetics (formerly Invitae), Labcorp).

NM_000551.4(VHL):c.429C>T (p.Asp143=)

Genes: VHL (von Hippel-Lindau tumor suppressor; plus strand), LOC107303340 (3p25 von Hippel-Lindau tumor suppressor, E3 ubiquitin protein ligase Alu-mediated recombination region; plus strand). Cytogenetic location: 3p25.3.
Variant type: single nucleotide variant.
Coding change: c.429C>T on transcript NM_000551.4 (MANE Select); coding-DNA position 429, C replaced by T.
Protein change: p.Asp143=; no amino-acid change (aspartic acid 143 retained).
Molecular consequence: synonymous variant. On other transcripts: intron variant (2).
Genome position (GRCh38, 1-based): chr3:10,146,602, C>T. VCF-style: chr3-10146602-C-T. GRCh37 (hg19) VCF-style: chr3-10188286-C-T.
Other names: c.*18-3185C>T (NM_001354723.2); c.341-3185C>T (NM_198156.3).
Identifiers: ClinVar variation 416990 (VCV000416990.54), dbSNP rs773556807, ClinGen allele CA040956.